The following is an entry in ClinVar:

ClinVar aggregate classification (germline): Uncertain significance (1 of 4 stars; one submission).

Conditions:
Familial sleep-related hypermotor epilepsy. Also called: Autosomal Dominant Sleep-Related Hypermotor (Hyperkinetic) Epilepsy. Identifiers: Orphanet 98784, MedGen C3696898, MONDO:0000030.

Submission:

Labcorp Genetics (formerly Invitae), Labcorp
Classification: Uncertain significance. Last evaluated: 2025-06-17. Review status: criteria provided, single submitter. Criteria: Invitae Variant Classification Sherloc (09022015). Collection method: clinical testing. Allele origin: germline.
Comment: This sequence change replaces valine, which is neutral and non-polar, with methionine, which is neutral and non-polar, at codon 222 of the CHRNB2 protein (p.Val222Met). This variant is not present in population databases (gnomAD no frequency). This variant has not been reported in the literature in individuals affected with CHRNB2-related conditions. Invitae Evidence Modeling of protein sequence and biophysical properties (such as structural, functional, and spatial information, amino acid conservation, physicochemical variation, residue mobility, and thermodynamic stability) indicates that this missense variant is not expected to disrupt CHRNB2 protein function with a negative predictive value of 80%. In summary, the available evidence is currently insufficient to determine the role of this variant in disease. Therefore, it has been classified as a Variant of Uncertain Significance.

NM_000748.3(CHRNB2):c.664G>A (p.Val222Met)

Gene: CHRNB2 (cholinergic receptor nicotinic beta 2 subunit; plus strand). Cytogenetic location: 1q21.3.
Variant type: single nucleotide variant.
Coding change: c.664G>A on transcript NM_000748.3 (MANE Select); coding-DNA position 664, G replaced by A.
Protein change: p.Val222Met; replaces valine 222 with methionine.
Molecular consequence: missense variant.
Genome position (GRCh38, 1-based): chr1:154,571,487, G>A. VCF-style: chr1-154571487-G-A. GRCh37 (hg19) VCF-style: chr1-154543963-G-A.
Other names: short protein forms V222M.
Identifiers: ClinVar variation 4797221 (VCV004797221.1).
Genomic context (GRCh38, chr1:154,571,487, plus strand): 5'-GAGTGGGACATCGTGGCGCTGCCGGGCCGGCGCAACGAGAACCCCGACGACTCTACGTAC[G>A]TGGACATCACGTATGACTTCATCATTCGCCGCAAGCCGCTCTTCTACACCATCAACCTCA-3'
Protein context (NP_000739.1, residues 212-232): RNENPDDSTY[Val222Met]DITYDFIIRR